The following is an entry in ClinVar:

ClinVar aggregate classification (germline): Uncertain significance. Review status: criteria provided, multiple submitters, no conflicts (2 of 4 stars). 2 submissions from 2 submitters: Uncertain significance (2). Last evaluated 2025-08-20.

Conditions:
Inborn genetic diseases. Identifiers: MedGen C0950123, MeSH D030342.

gnomAD v4.1: 3 of 1,613,796 alleles (0.00019%); highest among the groups gnomAD compares: South Asian, 0.0011%; no homozygotes.

Submissions (2):

Ambry Genetics
Classification: Uncertain significance for Inborn genetic diseases. Last evaluated: 2025-08-20. Review status: criteria provided, single submitter. Criteria: Ambry Variant Classification Scheme 2023. Collection method: clinical testing. Allele origin: germline.
Comment: The p.Y1540C variant (also known as c.4619A>G), located in coding exon 1 of the SAMD9 gene, results from an A to G substitution at nucleotide position 4619. The tyrosine at codon 1540 is replaced by cysteine, an amino acid with highly dissimilar properties. This amino acid position is conserved. In addition, this alteration is predicted to be tolerated by in silico analysis. Based on the available evidence, the clinical significance of this variant remains unclear.

Labcorp Genetics (formerly Invitae), Labcorp
Classification: Uncertain significance. Last evaluated: 2025-04-08. Review status: criteria provided, single submitter. Criteria: Invitae Variant Classification Sherloc (09022015). Collection method: clinical testing. Allele origin: germline.
Comment: This sequence change replaces tyrosine, which is neutral and polar, with cysteine, which is neutral and slightly polar, at codon 1540 of the SAMD9 protein (p.Tyr1540Cys). This variant is not present in population databases (gnomAD no frequency). This variant has not been reported in the literature in individuals affected with SAMD9-related conditions. ClinVar contains an entry for this variant (Variation ID: 3636727). Invitae Evidence Modeling of protein sequence and biophysical properties (such as structural, functional, and spatial information, amino acid conservation, physicochemical variation, residue mobility, and thermodynamic stability) indicates that this missense variant is not expected to disrupt SAMD9 protein function with a negative predictive value of 95%. In summary, the available evidence is currently insufficient to determine the role of this variant in disease. Therefore, it has been classified as a Variant of Uncertain Significance.

NM_017654.4(SAMD9):c.4619A>G (p.Tyr1540Cys)

Gene: SAMD9 (sterile alpha motif domain containing 9; minus strand). Cytogenetic location: 7q21.2.
Variant type: single nucleotide variant.
Coding change: c.4619A>G on transcript NM_017654.4 (MANE Select); coding-DNA position 4619, A replaced by G.
Protein change: p.Tyr1540Cys; replaces tyrosine 1540 with cysteine.
Molecular consequence: missense variant.
Genome position (GRCh38, 1-based): chr7:93,101,479, T>C on the plus strand (A>G on the coding strand, the complement: SAMD9 is on the minus strand). VCF-style: chr7-93101479-T-C. GRCh37 (hg19) VCF-style: chr7-92730792-T-C.
Other names: c.4619A>G, p.Tyr1540Cys (NM_001193307.2); c.4619A>G (NM_017654.3); short protein forms Y1540C.
Identifiers: ClinVar variation 3636727 (VCV003636727.3).